The following is an entry in ClinVar:

NM_000090.4(COL3A1):c.2299A>T (p.Ile767Phe)

Gene: COL3A1 (collagen type III alpha 1 chain; plus strand). Cytogenetic location: 2q32.2.
Variant type: single nucleotide variant.
Coding change: c.2299A>T on transcript NM_000090.4 (MANE Select); coding-DNA position 2299, A replaced by T.
Protein change: p.Ile767Phe; replaces isoleucine 767 with phenylalanine.
Molecular consequence: missense variant.
Genome position (GRCh38, 1-based): chr2:189,001,412, A>T. VCF-style: chr2-189001412-A-T. GRCh37 (hg19) VCF-style: chr2-189866138-A-T.
Other names: short protein forms I767F.
Identifiers: ClinVar variation 2859313 (VCV002859313.3), dbSNP rs1380468315, ClinGen allele CA349842367.
Genomic context (GRCh38, chr2:189,001,412, plus strand): 5'-GATATTTGTATCTTCAAAATTAAAAAATATTTTTATTTCCTCTAGGGTCCTACTGGTCCT[A>T]TTGGTCCTCCTGGCCCAGCTGGCCAGCCTGGAGATAAGGTAACCCTTAATACTACCTGGA-3'
Protein context (NP_000081.2, residues 757-777): KDGPRGPTGP[Ile767Phe]GPPGPAGQPG

ClinVar aggregate classification (germline): Uncertain significance (1 of 4 stars; one submission).

Conditions:
Ehlers-Danlos syndrome, type 4 (EDSVASC). Also called: Ehlers-Danlos syndrome vascular type; Ehlers Danlos syndrome, ecchymotic type; Ehlers Danlos syndrome, arterial type; Ehlers Danlos syndrome, Sack-Barabas type; Ehlers-Danlos Syndrome Type IV. Identifiers: Orphanet 286, MedGen C0268338, MONDO:0017314, OMIM 130050.

gnomAD v4.1: 2 of 1,613,882 alleles (0.00012%); highest among the groups gnomAD compares: Non-Finnish European, 0.00017%; no homozygotes.

Submission:

Labcorp Genetics (formerly Invitae), Labcorp
Classification: Uncertain significance for Ehlers-Danlos syndrome, type 4. Last evaluated: 2023-04-26. Review status: criteria provided, single submitter. Criteria: Invitae Variant Classification Sherloc (09022015). Collection method: clinical testing. Allele origin: germline.
Comment: In summary, the available evidence is currently insufficient to determine the role of this variant in disease. Therefore, it has been classified as a Variant of Uncertain Significance. Advanced modeling of protein sequence and biophysical properties (such as structural, functional, and spatial information, amino acid conservation, physicochemical variation, residue mobility, and thermodynamic stability) performed at Invitae indicates that this missense variant is not expected to disrupt COL3A1 protein function. This variant has not been reported in the literature in individuals affected with COL3A1-related conditions. This variant is not present in population databases (gnomAD no frequency). This sequence change replaces isoleucine, which is neutral and non-polar, with phenylalanine, which is neutral and non-polar, at codon 767 of the COL3A1 protein (p.Ile767Phe).